The following is an entry in ClinVar:

NM_025114.4(CEP290):c.6892C>G (p.Gln2298Glu)

Gene: CEP290 (centrosomal protein 290; minus strand). Cytogenetic location: 12q21.32.
Variant type: single nucleotide variant.
Coding change: c.6892C>G on transcript NM_025114.4 (MANE Select); coding-DNA position 6892, C replaced by G.
Protein change: p.Gln2298Glu; replaces glutamine 2298 with glutamic acid.
Molecular consequence: missense variant.
Genome position (GRCh38, 1-based): chr12:88,055,644, G>C on the plus strand (C>G on the coding strand, the complement: CEP290 is on the minus strand). VCF-style: chr12-88055644-G-C. GRCh37 (hg19) VCF-style: chr12-88449421-G-C.
Other names: short protein forms Q2298E.
Identifiers: ClinVar variation 2059035 (VCV002059035.1), dbSNP rs2033937635, ClinGen allele CA385976383.

ClinVar aggregate classification (germline): Uncertain significance (1 of 4 stars; one submission).

Conditions:
Joubert syndrome. Also called: CEREBELLOPARENCHYMAL DISORDER IV; JOUBERT-BOLTSHAUSER SYNDROME; Familial aplasia of the vermis. Identifiers: Orphanet 475, MedGen C5979921, MONDO:0018772.
Nephronophthisis. Also called: Juvenile Nephronophthisis. Identifiers: Orphanet 655, MedGen C0687120, MONDO:0019005, HP:0000090.
Meckel-Gruber syndrome. Also called: DYSENCEPHALIA SPLANCHNOCYSTICA; GRUBER SYNDROME; Dysencephalia splachnocystica. Identifiers: Orphanet 564, MedGen C0265215, MONDO:0018921.

Submission:

Labcorp Genetics (formerly Invitae), Labcorp
Classification: Uncertain significance for Joubert syndrome; Meckel-Gruber syndrome; Nephronophthisis. Last evaluated: 2022-03-12. Review status: criteria provided, single submitter. Criteria: Invitae Variant Classification Sherloc (09022015). Collection method: clinical testing. Allele origin: germline.
Comment: This sequence change replaces glutamine, which is neutral and polar, with glutamic acid, which is acidic and polar, at codon 2298 of the CEP290 protein (p.Gln2298Glu). This variant is not present in population databases (gnomAD no frequency). This variant has not been reported in the literature in individuals affected with CEP290-related conditions. Algorithms developed to predict the effect of missense changes on protein structure and function (SIFT, PolyPhen-2, Align-GVGD) all suggest that this variant is likely to be tolerated. In summary, the available evidence is currently insufficient to determine the role of this variant in disease. Therefore, it has been classified as a Variant of Uncertain Significance.